The following is an entry in ClinVar:

ClinVar aggregate classification (germline): Likely pathogenic (1 of 4 stars; one submission).

Submission:

Dasa
Classification: Likely pathogenic. Last evaluated: 2026-04-08. Review status: criteria provided, single submitter. Criteria: DASA Assertion Criteria. Collection method: clinical testing. Allele origin: germline.
Comment: NM_016111.4(TELO2):c.918dup (p.Gln307Thrfs*76) is a frameshift variant in TELO2 predicted to alter the reading frame and introduce a premature termination codon and is predicted to result in an absent or altered protein product. Loss of function is an established disease mechanism for TELO2-associated disorders. Also, this variant is rare in population databases. Based on the currently available evidence, this variant is classified as likely pathogenic.

NM_016111.4(TELO2):c.918dup (p.Gln307fs)

Gene: TELO2 (telomere maintenance 2; plus strand). Cytogenetic location: 16p13.3.
Variant type: Duplication.
Coding change: c.918dup on transcript NM_016111.4 (MANE Select); coding-DNA position 918, one base duplicated (A; older notation c.918dupA).
Protein change: p.Gln307fs; shifts the reading frame from glutamine 307.
Molecular consequence: frameshift variant.
Genome position (GRCh38, 1-based): chr16:1,499,318, A duplicated. VCF-style (leftmost placement, unchanged base first): chr16-1499317-T-TA. GRCh37 (hg19) VCF-style: chr16-1549318-T-TA.
Other names: c.918dup, p.Gln307fs (NM_001351846.2); short protein forms Q307fs.
Identifiers: ClinVar variation 4883824 (VCV004883824.2).